The following is an entry in ClinVar:

ClinVar aggregate classification (germline): Pathogenic. Review status: criteria provided, multiple submitters, no conflicts (2 of 4 stars). 2 submissions from 2 submitters: Pathogenic (2). Last evaluated 2021-10-02.

Conditions:
Congenital heart defects, dysmorphic facial features, and intellectual developmental disorder (CHDFIDD). Identifiers: Orphanet 646278, MedGen C4479246, MONDO:0044302, OMIM 617360.

Allele frequency attached by ClinVar (database versions not stated): gnomAD exomes below 0.00001.
gnomAD v4.1: 1 of 1,259,832 alleles (0.000079%); highest among the groups gnomAD compares: Non-Finnish European, 0.0001%; no homozygotes.

Submissions (2):

3billion
Classification: Pathogenic for Congenital heart defects, dysmorphic facial features, and intellectual developmental disorder. Last evaluated: 2021-10-02. Review status: criteria provided, single submitter. Criteria: ACMG Guidelines, 2015. Collection method: clinical testing. Allele origin: germline. Affected: yes. Observed: 1 heterozygote.
Comment: Stop-gained (nonsense): predicted to result in a loss or disruption of normal protein function through nonsense-mediated decay (NMD) or protein truncation. Multiple pathogenic variants are reported downstream of the variant (PVS1_VS). The variant was observed as assumed (i.e. paternity and maternity not confirmed) de novoo (3billion dataset, PM6). It is not observed in the gnomAD v2.1.1 dataset (PM2). Therefore, this variant is classified as pathogenic according to the recommendation of ACMG/AMP guideline.

GeneDx
Classification: Pathogenic. Last evaluated: 2021-06-26. Review status: criteria provided, single submitter. Criteria: GeneDx Variant Classification Process June 2021. Collection method: clinical testing. Allele origin: germline. Affected: yes.
Comment: Nonsense variant predicted to result in protein truncation or nonsense mediated decay in a gene for which loss-of-function is a known mechanism of disease; Not observed at significant frequency in large population cohorts (Lek et al., 2016); Has not been previously published as pathogenic or benign to our knowledge; This variant is associated with the following publications: (PMID: 27535533)

NM_003718.5(CDK13):c.454C>T (p.Gln152Ter)

Genes: CDK13 (cyclin dependent kinase 13; plus strand), LOC129998292 (ATAC-STARR-seq lymphoblastoid silent region 18115; plus strand). Cytogenetic location: 7p14.1.
Variant type: single nucleotide variant.
Coding change: c.454C>T on transcript NM_003718.5 (MANE Select); coding-DNA position 454, C replaced by T.
Protein change: p.Gln152Ter; replaces glutamine 152 with a stop codon.
Molecular consequence: nonsense.
Genome position (GRCh38, 1-based): chr7:39,951,095, C>T. VCF-style: chr7-39951095-C-T. GRCh37 (hg19) VCF-style: chr7-39990694-C-T.
Other names: c.454C>T, p.Gln152Ter (NM_031267.4); short protein forms Q152*.
Identifiers: ClinVar variation 1215514 (VCV001215514.4), dbSNP rs1269138380, ClinGen allele CA367309780.